The following is an entry in ClinVar:

ClinVar aggregate classification (germline): Likely benign (1 of 4 stars; one submission).

Submission:

CeGaT Center for Human Genetics Tuebingen
Classification: Likely benign. Last evaluated: 2023-03-01. Review status: criteria provided, single submitter. Criteria: CeGaT Center For Human Genetics Tuebingen Variant Classification Criteria Version 2. Collection method: clinical testing. Allele origin: germline. Affected: yes. Observed: 1 variant allele.
Comment: TPRN: BP4, BP7

NM_001128228.3(TPRN):c.1869C>G (p.Ser623=)

Gene: TPRN (taperin; minus strand). Cytogenetic location: 9q34.3.
Variant type: single nucleotide variant.
Coding change: c.1869C>G on transcript NM_001128228.3 (MANE Select); coding-DNA position 1869, C replaced by G.
Protein change: p.Ser623=; no amino-acid change (serine 623 retained).
Molecular consequence: synonymous variant.
Genome position (GRCh38, 1-based): chr9:137,192,548, G>C on the plus strand (C>G on the coding strand, the complement: TPRN is on the minus strand). VCF-style: chr9-137192548-G-C. GRCh37 (hg19) VCF-style: chr9-140087000-G-C.
Identifiers: ClinVar variation 2659814 (VCV002659814.24), dbSNP rs778609420, ClinGen allele CA5362612.